The following is an entry in ClinVar:

NM_032444.4(SLX4):c.4395_4406del (p.Asp1466_Ser1469del)

Gene: SLX4 (SLX4 structure-specific endonuclease subunit; minus strand). Cytogenetic location: 16p13.3.
Variant type: Deletion.
Coding change: c.4395_4406del on transcript NM_032444.4 (MANE Select); coding-DNA positions 4395 to 4406, 12 bases deleted (TGACTGTCGCTC).
Protein change: p.Asp1466_Ser1469del.
Molecular consequence: inframe deletion.
Genome position (GRCh38, 1-based): chr16:3,589,232-3,589,243, GAGCGACAGTCA deleted on the plus strand (TGACTGTCGCTC on the coding strand, the reverse complement: SLX4 is on the minus strand). VCF-style (leftmost placement, unchanged base first): chr16-3589231-GGAGCGACAGTCA-G. GRCh37 (hg19) VCF-style: chr16-3639232-GGAGCGACAGTCA-G.
Identifiers: ClinVar variation 1367176 (VCV001367176.7), dbSNP rs2151121320, ClinGen allele CA2573152105.
Genomic context (GRCh38, chr16:3,589,231, plus strand): 5'-TTGCAATTTCCTCTGGGTAGTGCAGCTTCCTCGGATGGGGGTGGTGTCCAGGAGTCCCGG[GGAGCGACAGTCA>G]CGGCTGTCGGCGGCCTCGTTCATCCTGCGGCTGGGGCTGCTGGTGCTCAGGGGGCCGGTC-3'

ClinVar aggregate classification (germline): Uncertain significance (1 of 4 stars; one submission).

Conditions:
Fanconi anemia (FA). Also called: Fanconi's anemia. Identifiers: Orphanet 84, MedGen C0015625, MeSH D005199, MONDO:0019391.

Submission:

Labcorp Genetics (formerly Invitae), Labcorp
Classification: Uncertain significance for Fanconi anemia. Last evaluated: 2022-08-28. Review status: criteria provided, single submitter. Criteria: Invitae Variant Classification Sherloc (09022015). Collection method: clinical testing. Allele origin: germline.
Comment: Experimental studies and prediction algorithms are not available or were not evaluated, and the functional significance of this variant is currently unknown. In summary, the available evidence is currently insufficient to determine the role of this variant in disease. Therefore, it has been classified as a Variant of Uncertain Significance. ClinVar contains an entry for this variant (Variation ID: 1367176). This variant has not been reported in the literature in individuals affected with SLX4-related conditions. This variant is not present in population databases (gnomAD no frequency). This variant, c.4395_4406del, results in the deletion of 4 amino acid(s) of the SLX4 protein (p.Asp1466_Ser1469del), but otherwise preserves the integrity of the reading frame.